The following is an entry in ClinVar:

ClinVar aggregate classification (germline): Conflicting classifications of pathogenicity. Review status: criteria provided, conflicting classifications (1 of 4 stars). 4 submissions from 4 submitters: Uncertain significance (3); Likely benign (1). Last evaluated 2025-10-29.

Conditions:
Developmental and epileptic encephalopathy, 43 (DEE43). Also called: Epileptic encephalopathy, early infantile, 43. Identifiers: MedGen C4310712, MONDO:0014921, OMIM 617113.
Epilepsy, childhood absence, susceptibility to, 5. Identifiers: Orphanet 64280, MedGen C2677087, MONDO:0012843, OMIM 612269.
Epilepsy, childhood absence, susceptibility to, 1. Also called: Epilepsy, childhood absence 1. Identifiers: Orphanet 64280, MedGen C1838604, MONDO:0020759, OMIM 600131.
Inborn genetic diseases. Identifiers: MedGen C0950123, MeSH D030342.

Allele frequency attached by ClinVar (database versions not stated): gnomAD 0.00003; gnomAD exomes 0.00004 and 0.00003; ExAC 0.00006; TOPMed 0.00003.

Submissions (4):

Labcorp Genetics (formerly Invitae), Labcorp
Classification: Uncertain significance for Epilepsy, childhood absence, susceptibility to, 5; Epilepsy, childhood absence, susceptibility to, 1. Last evaluated: 2025-10-29. Review status: criteria provided, single submitter. Criteria: Invitae Variant Classification Sherloc (09022015). Collection method: clinical testing. Allele origin: germline.
Comment: This sequence change replaces alanine, which is neutral and non-polar, with threonine, which is neutral and polar, at codon 98 of the GABRB3 protein (p.Ala98Thr). This variant is present in population databases (rs756369937, gnomAD 0.02%). This variant has not been reported in the literature in individuals affected with GABRB3-related conditions. ClinVar contains an entry for this variant (Variation ID: 537293). Invitae Evidence Modeling of protein sequence and biophysical properties (such as structural, functional, and spatial information, amino acid conservation, physicochemical variation, residue mobility, and thermodynamic stability) has been performed for this missense variant. However, the output from this modeling did not meet the statistical confidence thresholds required to predict the impact of this variant on GABRB3 protein function. In summary, the available evidence is currently insufficient to determine the role of this variant in disease. Therefore, it has been classified as a Variant of Uncertain Significance.

Ambry Genetics
Classification: Likely benign for Inborn genetic diseases. Last evaluated: 2025-09-23. Review status: criteria provided, single submitter. Criteria: Ambry Variant Classification Scheme 2023. Collection method: clinical testing. Allele origin: germline.

Revvity Omics, Revvity
Classification: Uncertain significance for Developmental and epileptic encephalopathy, 43. Last evaluated: 2021-05-19. Review status: criteria provided, single submitter. Criteria: ACMG Guidelines, 2015. Collection method: clinical testing. Allele origin: germline.

Fulgent Genetics
Classification: Uncertain significance for Epilepsy, childhood absence, susceptibility to, 5; Developmental and epileptic encephalopathy, 43. Last evaluated: 2018-10-31. Review status: criteria provided, single submitter. Criteria: ACMG Guidelines, 2015. Collection method: clinical testing. Allele origin: unknown.

NM_000814.6(GABRB3):c.292G>A (p.Ala98Thr)

Gene: GABRB3 (gamma-aminobutyric acid type A receptor subunit beta3; minus strand). Cytogenetic location: 15q12.
Variant type: single nucleotide variant.
Coding change: c.292G>A on transcript NM_000814.6 (MANE Select); coding-DNA position 292, G replaced by A.
Protein change: p.Ala98Thr; replaces alanine 98 with threonine.
Molecular consequence: missense variant. On other transcripts: non-coding transcript variant (1).
Genome position (GRCh38, 1-based): chr15:26,621,483, C>T on the plus strand (G>A on the coding strand, the complement: GABRB3 is on the minus strand). VCF-style: chr15-26621483-C-T. GRCh37 (hg19) VCF-style: chr15-26866630-C-T.
Other names: c.37G>A, p.Ala13Thr (NM_001191320.2, NM_001278631.2); c.79G>A, p.Ala27Thr (NM_001191321.3); c.292G>A, p.Ala98Thr (NM_021912.5); short protein forms A98T, A13T, A27T.
Identifiers: ClinVar variation 537293 (VCV000537293.13), dbSNP rs756369937, ClinGen allele CA7437469.